The following is an entry in ClinVar:

ClinVar aggregate classification (germline): Likely benign (1 of 4 stars; one submission).

Allele frequency attached by ClinVar (database versions not stated): 1000 Genomes Project 0.00200; 1000 Genomes Project 30x 0.00203; TOPMed 0.00451; ESP Exome Variant Server 0.00646; gnomAD 0.00699; gnomAD exomes 0.00744; ExAC 0.00762.
gnomAD v4.1: 11,800 of 1,613,374 alleles (0.73%); highest among the groups gnomAD compares: Non-Finnish European, 0.79%; 85 homozygotes.

Submission:

CeGaT Center for Human Genetics Tuebingen
Classification: Likely benign. Last evaluated: 2022-05-01. Review status: criteria provided, single submitter. Criteria: CeGaT Center For Human Genetics Tuebingen Variant Classification Criteria Version 2. Collection method: clinical testing. Allele origin: germline. Affected: yes. Observed: 1 variant allele.
Comment: FAHD2A: BP4, BP7

NM_016044.3(FAHD2A):c.213G>A (p.Glu71=)

Gene: FAHD2A (fumarylacetoacetate hydrolase domain containing 2A; plus strand). Cytogenetic location: 2q11.1.
Variant type: single nucleotide variant.
Coding change: c.213G>A on transcript NM_016044.3 (MANE Select); coding-DNA position 213, G replaced by A.
Protein change: p.Glu71=; no amino-acid change (glutamic acid 71 retained).
Molecular consequence: synonymous variant.
Genome position (GRCh38, 1-based): chr2:95,405,771, G>A. VCF-style: chr2-95405771-G-A. GRCh37 (hg19) VCF-style: chr2-96071519-G-A.
Identifiers: ClinVar variation 2651121 (VCV002651121.24), dbSNP rs144830327, ClinGen allele CA1772461.